The following is an entry in ClinVar:

ClinVar aggregate classification (germline): Uncertain significance. Review status: criteria provided, multiple submitters, no conflicts (2 of 4 stars). 3 submissions from 3 submitters: Uncertain significance (3). Last evaluated 2025-07-28.

Conditions:
Immunodeficiency 35 (IMD35). Also called: Susceptibility to infection due to TYK2 deficiency; TYK2 DEFICIENCY; HIES WITH ATYPICAL MYCOBACTERIOSIS, AUTOSOMAL RECESSIVE; HYPER-IgE SYNDROME WITH ATYPICAL MYCOBACTERIOSIS, AUTOSOMAL RECESSIVE. Identifiers: Orphanet 331226, MedGen C1969086, MONDO:0012682, OMIM 611521.

Submissions (3):

Laboratorio de Genetica e Diagnostico Molecular, Hospital Israelita Albert Einstein
Classification: Uncertain significance for Immunodeficiency 35. Last evaluated: 2025-07-28. Review status: criteria provided, single submitter. Criteria: ACMG Guidelines, 2015. Collection method: clinical testing. Allele origin: germline. Affected: yes.
Comment: ACMG classification criteria: PM2 supporting, PM4 supporting

Labcorp Genetics (formerly Invitae), Labcorp
Classification: Uncertain significance for Immunodeficiency 35. Last evaluated: 2022-10-17. Review status: criteria provided, single submitter. Criteria: Invitae Variant Classification Sherloc (09022015). Collection method: clinical testing. Allele origin: germline.
Comment: This variant, c.2371_2376del, results in the deletion of 2 amino acid(s) of the TYK2 protein (p.Leu791_Ser792del), but otherwise preserves the integrity of the reading frame. This variant is present in population databases (rs773966828, gnomAD 0.006%). This variant has not been reported in the literature in individuals affected with TYK2-related conditions. ClinVar contains an entry for this variant (Variation ID: 252621). Experimental studies and prediction algorithms are not available or were not evaluated, and the functional significance of this variant is currently unknown. In summary, the available evidence is currently insufficient to determine the role of this variant in disease. Therefore, it has been classified as a Variant of Uncertain Significance.

Genomic Diagnostic Laboratory, Division of Genomic Diagnostics, Children's Hospital of Philadelphia
Classification: Uncertain significance. Last evaluated: 2015-09-24. Review status: criteria provided, single submitter. Criteria: DGD Variant Analysis Guidelines. Collection method: clinical testing. Allele origin: unknown.

NM_003331.5(TYK2):c.2371_2376del (p.Leu791_Ser792del)

Gene: TYK2 (tyrosine kinase 2; minus strand). Cytogenetic location: 19p13.2.
Variant type: Deletion.
Coding change: c.2371_2376del on transcript NM_003331.5 (MANE Select); coding-DNA positions 2371 to 2376, 6 bases deleted (CTAAGC; older notation c.2371_2376delCTAAGC).
Protein change: p.Leu791_Ser792del.
Molecular consequence: inframe deletion.
Genome position (GRCh38, 1-based): chr19:10,357,854-10,357,859, GCTTAG deleted on the plus strand (CTAAGC on the coding strand, the reverse complement: TYK2 is on the minus strand); deleting any 6 consecutive bases within chr19:10,357,854-10,357,862 gives the same sequence; the c. name uses the placement nearest the transcript's 3' end. VCF-style (leftmost placement, unchanged base first): chr19-10357853-TGCTTAG-T. GRCh37 (hg19) VCF-style: chr19-10468529-TGCTTAG-T.
Other names: c.2371_2376del (LRG_121t1).
Identifiers: ClinVar variation 252621 (VCV000252621.8), dbSNP rs773966828, ClinGen allele CA9193090.
Genomic context (GRCh38, chr19:10,357,853, plus strand): 5'-CCTCTCCGTCAAAGCAGATCTCCAGGAGGGTGGCGCCAAACCCCCACTTGTCCATGGCGG[TGCTTAG>T]GCTGTTGGCCCCACCTGGTAGGCATTCGGGGGCCAGCCAGGGGATCCTCTCCACCCGCTC-3'